The following is an entry in ClinVar:

ClinVar aggregate classification (germline): Uncertain significance. Review status: criteria provided, multiple submitters, no conflicts (2 of 4 stars). 2 submissions from 2 submitters: Uncertain significance (2). Last evaluated 2025-01-11.

Conditions:
Inborn genetic diseases. Identifiers: MedGen C0950123, MeSH D030342.
Fanconi anemia (FA). Also called: Fanconi's anemia. Identifiers: Orphanet 84, MedGen C0015625, MeSH D005199, MONDO:0019391.

Submissions (2):

Ambry Genetics
Classification: Uncertain significance for Inborn genetic diseases. Last evaluated: 2025-01-11. Review status: criteria provided, single submitter. Criteria: Ambry Variant Classification Scheme 2023. Collection method: clinical testing. Allele origin: germline.
Comment: The p.K1374R variant (also known as c.4121A>G), located in coding exon 14 of the FANCM gene, results from an A to G substitution at nucleotide position 4121. The lysine at codon 1374 is replaced by arginine, an amino acid with highly similar properties. This amino acid position is conserved. In addition, this alteration is predicted to be tolerated by in silico analysis. Based on the available evidence, the clinical significance of this variant remains unclear.

Labcorp Genetics (formerly Invitae), Labcorp
Classification: Uncertain significance for Fanconi anemia. Last evaluated: 2022-07-20. Review status: criteria provided, single submitter. Criteria: Invitae Variant Classification Sherloc (09022015). Collection method: clinical testing. Allele origin: germline.
Comment: This sequence change replaces lysine, which is basic and polar, with arginine, which is basic and polar, at codon 1374 of the FANCM protein (p.Lys1374Arg). This variant is not present in population databases (gnomAD no frequency). This variant has not been reported in the literature in individuals affected with FANCM-related conditions. ClinVar contains an entry for this variant (Variation ID: 844960). Algorithms developed to predict the effect of missense changes on protein structure and function output the following: SIFT: "Tolerated"; PolyPhen-2: "Benign"; Align-GVGD: "Class C0". The arginine amino acid residue is found in multiple mammalian species, which suggests that this missense change does not adversely affect protein function. In summary, the available evidence is currently insufficient to determine the role of this variant in disease. Therefore, it has been classified as a Variant of Uncertain Significance.

NM_020937.4(FANCM):c.4121A>G (p.Lys1374Arg)

Gene: FANCM (FA complementation group M; plus strand). Cytogenetic location: 14q21.2.
Variant type: single nucleotide variant.
Coding change: c.4121A>G on transcript NM_020937.4 (MANE Select); coding-DNA position 4121, A replaced by G.
Protein change: p.Lys1374Arg; replaces lysine 1374 with arginine.
Molecular consequence: missense variant.
Genome position (GRCh38, 1-based): chr14:45,176,875, A>G. VCF-style: chr14-45176875-A-G. GRCh37 (hg19) VCF-style: chr14-45646078-A-G.
Other names: c.4043A>G, p.Lys1348Arg (NM_001308133.2); short protein forms K1374R, K1348R.
Identifiers: ClinVar variation 844960 (VCV000844960.10), dbSNP rs1888743641, ClinGen allele CA389604396.